The following is an entry in ClinVar:

NM_024757.5(EHMT1):c.3811G>A (p.Ala1271Thr)

Gene: EHMT1 (euchromatic histone lysine methyltransferase 1; plus strand). Cytogenetic location: 9q34.3.
Variant type: single nucleotide variant.
Coding change: c.3811G>A on transcript NM_024757.5 (MANE Select); coding-DNA position 3811, G replaced by A.
Protein change: p.Ala1271Thr; replaces alanine 1271 with threonine.
Molecular consequence: missense variant.
Genome position (GRCh38, 1-based): chr9:137,834,867, G>A. VCF-style: chr9-137834867-G-A. GRCh37 (hg19) VCF-style: chr9-140729319-G-A.
Other names: c.3790G>A, p.Ala1264Thr (NM_001354263.2); short protein forms A1264T, A1271T.
Identifiers: ClinVar variation 3573585 (VCV003573585.1).

ClinVar aggregate classification (germline): Uncertain significance (1 of 4 stars; one submission).

gnomAD v4.1: 1 of 1,611,236 alleles (0.000062%); highest among the groups gnomAD compares: Non-Finnish European, 0.000085%; no homozygotes.

Submission:

GeneDx
Classification: Uncertain significance. Last evaluated: 2024-07-11. Review status: criteria provided, single submitter. Criteria: GeneDx Variant Classification Process June 2021. Collection method: clinical testing. Allele origin: germline. Affected: yes.
Comment: Not observed at significant frequency in large population cohorts (gnomAD); In silico analysis indicates that this missense variant does not alter protein structure/function; Has not been previously published as pathogenic or benign to our knowledge